The following is an entry in ClinVar:

ClinVar aggregate classification (germline): Uncertain significance (1 of 4 stars; one submission).

Conditions:
POLR2A-related disorder. Also called: POLR2A-related condition.

Submission:

PreventionGenetics, part of Exact Sciences
Classification: Uncertain significance for POLR2A-related condition. Last evaluated: 2023-08-17. Review status: criteria provided, single submitter. Criteria: ACMG Guidelines, 2015. Collection method: clinical testing. Allele origin: germline.
Comment: The POLR2A c.4175A>G variant is predicted to result in the amino acid substitution p.Tyr1392Cys. To our knowledge, this variant has not been reported in the literature or in a large population database, indicating this variant is rare. At this time, the clinical significance of this variant is uncertain due to the absence of conclusive functional and genetic evidence.

NM_000937.5(POLR2A):c.4175A>G (p.Tyr1392Cys)

Genes: POLR2A (RNA polymerase II subunit A; plus strand), LOC126862482 (CDK7 strongly-dependent group 2 enhancer GRCh37_chr17:7414586-7415785; plus strand). Cytogenetic location: 17p13.1.
Variant type: single nucleotide variant.
Coding change: c.4175A>G on transcript NM_000937.5 (MANE Select); coding-DNA position 4175, A replaced by G.
Protein change: p.Tyr1392Cys; replaces tyrosine 1392 with cysteine.
Molecular consequence: missense variant.
Genome position (GRCh38, 1-based): chr17:7,511,884, A>G. VCF-style: chr17-7511884-A-G. GRCh37 (hg19) VCF-style: chr17-7415203-A-G.
Other names: short protein forms Y1392C.
Identifiers: ClinVar variation 2634751 (VCV002634751.1), dbSNP rs2508190969, ClinGen allele CA397822993.